The following is an entry in ClinVar:

ClinVar aggregate classification (germline): Uncertain significance (1 of 4 stars; one submission).

Conditions:
Hereditary cancer-predisposing syndrome. Also called: Neoplastic Syndromes, Hereditary; Tumor predisposition; Hereditary neoplastic syndrome; Hereditary Cancer Syndrome. Identifiers: Orphanet 140162, MedGen C0027672, MeSH D009386, MONDO:0015356.

Submission:

Ambry Genetics
Classification: Uncertain significance for Hereditary cancer-predisposing syndrome. Last evaluated: 2024-03-28. Review status: criteria provided, single submitter. Criteria: Ambry Variant Classification Scheme 2023. Collection method: clinical testing. Allele origin: germline.
Comment: The c.1943+3G>T intronic variant results from a G to T substitution 3 nucleotides after coding exon 11 in the SMARCA4 gene. This nucleotide position is not well conserved in available vertebrate species. In silico splice site analysis predicts that this alteration will not have any significant effect on splicing. Based on the available evidence, the clinical significance of this alteration remains unclear.

NM_003072.5(SMARCA4):c.1943+3G>T

Gene: SMARCA4 (SWI/SNF related BAF chromatin remodeling complex subunit ATPase 4; plus strand). Cytogenetic location: 19p13.2.
Variant type: single nucleotide variant.
Coding change: c.1943+3G>T on transcript NM_003072.5 (MANE Select); 3 bases into the intron after coding-DNA position 1943, G replaced by T.
Molecular consequence: intron variant.
Genome position (GRCh38, 1-based): chr19:11,003,162, G>T. VCF-style: chr19-11003162-G-T. GRCh37 (hg19) VCF-style: chr19-11113838-G-T.
Other names: c.1943+3G>T (NM_001128844.3, NM_001128849.3, NM_001128847.4 and 6 more transcripts).
Identifiers: ClinVar variation 3320698 (VCV003320698.1).